The following is an entry in ClinVar:

ClinVar aggregate classification (germline): Uncertain significance (1 of 4 stars; one submission).

Submission:

Dasa
Classification: Uncertain significance. Last evaluated: 2025-10-25. Review status: criteria provided, single submitter. Criteria: DASA Assertion Criteria. Collection method: clinical testing. Allele origin: germline.
Comment: NM_015030.2(FRYL):c.4005T>A (p.Asp1335Glu) is a missense variant that results in the substitution of aspartic acid with glutamic acid. This variant is absent from population databases. Computational prediction algorithms are consistent with a benign effect. The currently available literature and clinical evidence are not sufficient to establish a definitive association between this variant and the reported condition. Therefore, this variant is classified as a variant of uncertain significance.

NM_015030.2(FRYL):c.4005T>A (p.Asp1335Glu)

Gene: FRYL (FRY like transcription coactivator; minus strand). Cytogenetic location: 4p11.
Variant type: single nucleotide variant.
Coding change: c.4005T>A on transcript NM_015030.2 (MANE Select); coding-DNA position 4005, T replaced by A.
Protein change: p.Asp1335Glu; replaces aspartic acid 1335 with glutamic acid.
Molecular consequence: missense variant.
Genome position (GRCh38, 1-based): chr4:48,557,573, A>T on the plus strand (T>A on the coding strand, the complement: FRYL is on the minus strand). VCF-style: chr4-48557573-A-T. GRCh37 (hg19) VCF-style: chr4-48559590-A-T.
Other names: short protein forms D1335E.
Identifiers: ClinVar variation 4880926 (VCV004880926.2).
Genomic context (GRCh38, chr4:48,557,573, plus strand): 5'-TCCTTCTCCCCGTAACCAGCGCCTACTAGTCACCATAAGTTCTCGGTCTTTTAAGGAATC[A>T]TCTTCATCTTCATCATGTCGCCTTGCTGTGGGGAGAGGTTTTAAGTCCACCAGCTCGATG-3'
Protein context (NP_055845.1, residues 1325-1345): PTARRHDEDE[Asp1335Glu]DSLKDRELMV